The following is an entry in ClinVar:

ClinVar aggregate classification (germline): Uncertain significance. Review status: criteria provided, multiple submitters, no conflicts (2 of 4 stars). 2 submissions from 2 submitters: Uncertain significance (2). Last evaluated 2022-10-05.

Conditions:
Cone-rod dystrophy 6 (CORD6). Also called: Cone dystrophy progressive; RETINAL CONE DYSTROPHY 2. Identifiers: Orphanet 1872, MedGen C1866293, MONDO:0011143, OMIM 601777.
Leber congenital amaurosis 1 (LCA1). Also called: Congenital absence of the rods and cones; Leber's congenital tapetoretinal degeneration; Leber's congenital tapetoretinal dysplasia; AMAUROSIS CONGENITA OF LEBER I; RETINAL BLINDNESS, CONGENITAL. Identifiers: Orphanet 65, MedGen C2931258, MONDO:0008764, OMIM 204000.

Allele frequency attached by ClinVar (database versions not stated): gnomAD 0.00001; TOPMed 0.00001; gnomAD exomes 0.00002.
gnomAD v4.1: 29 of 1,613,920 alleles (0.0018%); highest among the groups gnomAD compares: Non-Finnish European, 0.0023%; no homozygotes.

Submissions (2):

Labcorp Genetics (formerly Invitae), Labcorp
Classification: Uncertain significance for Leber congenital amaurosis 1; Cone-rod dystrophy 6. Last evaluated: 2022-10-05. Review status: criteria provided, single submitter. Criteria: Invitae Variant Classification Sherloc (09022015). Collection method: clinical testing. Allele origin: germline.
Comment: This sequence change replaces valine, which is neutral and non-polar, with leucine, which is neutral and non-polar, at codon 887 of the GUCY2D protein (p.Val887Leu). This variant is present in population databases (no rsID available, gnomAD 0.007%). This variant has not been reported in the literature in individuals affected with GUCY2D-related conditions. Algorithms developed to predict the effect of missense changes on protein structure and function (SIFT, PolyPhen-2, Align-GVGD) all suggest that this variant is likely to be disruptive. In summary, the available evidence is currently insufficient to determine the role of this variant in disease. Therefore, it has been classified as a Variant of Uncertain Significance.

Blueprint Genetics
Classification: Uncertain significance. Last evaluated: 2022-03-17. Review status: criteria provided, single submitter. Criteria: ACMG Guidelines, 2015. Collection method: clinical testing. Allele origin: germline.

NM_000180.4(GUCY2D):c.2659G>T (p.Val887Leu)

Gene: GUCY2D (guanylate cyclase 2D, retinal; plus strand). Cytogenetic location: 17p13.1.
Variant type: single nucleotide variant.
Coding change: c.2659G>T on transcript NM_000180.4 (MANE Select); coding-DNA position 2659, G replaced by T.
Protein change: p.Val887Leu; replaces valine 887 with leucine.
Molecular consequence: missense variant.
Genome position (GRCh38, 1-based): chr17:8,014,941, G>T. VCF-style: chr17-8014941-G-T. GRCh37 (hg19) VCF-style: chr17-7918259-G-T.
Other names: short protein forms V887L.
Identifiers: ClinVar variation 1964348 (VCV001964348.3), dbSNP rs1365519533, ClinGen allele CA397954041.
Genomic context (GRCh38, chr17:8,014,941, plus strand): 5'-ACGGGGACACCAGTGGAGCCCGAGTACTTTGAGCAAGTGACACTGTACTTTAGTGACATT[G>T]TGGGCTTCACCACCATCTCTGCCATGAGTGAGCCCATTGAGGTTGTGGACCTGCTCAACG-3'
Protein context (NP_000171.1, residues 877-897): EQVTLYFSDI[Val887Leu]GFTTISAMSE